The following is an entry in ClinVar:

NM_201596.3(CACNB2):c.1962G>T (p.Arg654Ser)

Gene: CACNB2 (calcium voltage-gated channel auxiliary subunit beta 2; plus strand). Cytogenetic location: 10p12.31.
Variant type: single nucleotide variant.
Coding change: c.1962G>T on transcript NM_201596.3 (MANE Select); coding-DNA position 1962, G replaced by T.
Protein change: p.Arg654Ser; replaces arginine 654 with serine.
Molecular consequence: missense variant.
Genome position (GRCh38, 1-based): chr10:18,539,703, G>T. VCF-style: chr10-18539703-G-T. GRCh37 (hg19) VCF-style: chr10-18828632-G-T.
Other names: c.1797G>T, p.Arg599Ser (NM_000724.4); c.1764G>T, p.Arg588Ser (NM_001167945.2); c.1683G>T, p.Arg561Ser (NM_001330060.2); c.1818G>T, p.Arg606Ser (NM_201570.3); c.1878G>T, p.Arg626Ser (NM_201571.4); c.1806G>T, p.Arg602Ser (NM_201572.4); c.1800G>T, p.Arg600Ser (NM_201590.3); c.1848G>T, p.Arg616Ser (NM_201593.3); and 1 more; short protein forms R561S, R600S, R602S, R630S, R588S, R616S, R626S, R599S.
Identifiers: ClinVar variation 1397343 (VCV001397343.6), dbSNP rs915270594, ClinGen allele CA376072919.

ClinVar aggregate classification (germline): Uncertain significance (1 of 4 stars; one submission).

Conditions:
Brugada syndrome 4 (BRGDA4). Identifiers: Orphanet 130, MedGen C2678477, MONDO:0012743, OMIM 611876.

Allele frequency attached by ClinVar (database versions not stated): gnomAD exomes below 0.00001.
gnomAD v4.1: 2 of 1,611,174 alleles (0.00012%); highest among the groups gnomAD compares: South Asian, 0.0011%; no homozygotes.

Submission:

Labcorp Genetics (formerly Invitae), Labcorp
Classification: Uncertain significance for Brugada syndrome 4. Last evaluated: 2021-08-13. Review status: criteria provided, single submitter. Criteria: Invitae Variant Classification Sherloc (09022015). Collection method: clinical testing. Allele origin: germline.
Comment: This variant is not present in population databases (ExAC no frequency). This sequence change replaces arginine with serine at codon 600 of the CACNB2 protein (p.Arg600Ser). The arginine residue is highly conserved and there is a moderate physicochemical difference between arginine and serine. This variant has not been reported in the literature in individuals affected with CACNB2-related conditions. In summary, the available evidence is currently insufficient to determine the role of this variant in disease. Therefore, it has been classified as a Variant of Uncertain Significance. Algorithms developed to predict the effect of missense changes on protein structure and function are either unavailable or do not agree on the potential impact of this missense change (SIFT: "Deleterious"; PolyPhen-2: "Probably Damaging"; Align-GVGD: "Class C0").